The following is an entry in ClinVar:

NM_000020.3(ACVRL1):c.107G>T (p.Cys36Phe)

Gene: ACVRL1 (activin A receptor like type 1; plus strand). Cytogenetic location: 12q13.13.
Variant type: single nucleotide variant.
Coding change: c.107G>T on transcript NM_000020.3 (MANE Select); coding-DNA position 107, G replaced by T.
Protein change: p.Cys36Phe; replaces cysteine 36 with phenylalanine.
Molecular consequence: missense variant. On other transcripts: intron variant (1).
Genome position (GRCh38, 1-based): chr12:51,913,144, G>T. VCF-style: chr12-51913144-G-T. GRCh37 (hg19) VCF-style: chr12-52306928-G-T.
Other names: c.107G>T, p.Cys36Phe (NM_001077401.2, NM_001406487.1, NM_001406488.1 and 6 more transcripts); c.61+609G>T (NM_001406495.1); short protein forms C36F.
Identifiers: ClinVar variation 3346788 (VCV003346788.1).

ClinVar aggregate classification (germline): Uncertain significance (0 of 4 stars; one submission).

Conditions:
ACVRL1-related disorder. Also called: ACVRL1-related disorders; ACVRL1-related condition.

Submission:

PreventionGenetics, part of Exact Sciences
Classification: Uncertain significance for ACVRL1-related condition. Last evaluated: 2024-07-25. Review status: no assertion criteria provided. Collection method: clinical testing. Allele origin: germline.
Comment: The ACVRL1 c.107G>T variant is predicted to result in the amino acid substitution p.Cys36Phe. To our knowledge, this variant has not been reported in the literature or in a large population database, indicating this variant is rare. However, different amino acids substitutions at this position (p.Cys36Arg , p.Cys36Tyr) have been reported in patients with hereditary hemorrhagic telangiectasia (Fernandez-L et al 2006. PubMed ID: 16470589; Fernandez-L et al 2006. PubMed ID: 16470589). Although we suspect that this variant may be pathogenic, at this time, the clinical significance of this variant is uncertain due to the absence of conclusive functional and genetic evidence.